The following is an entry in ClinVar:

ClinVar aggregate classification (germline): Uncertain significance. Review status: criteria provided, multiple submitters, no conflicts (2 of 4 stars). 4 submissions from 4 submitters: Uncertain significance (4). Last evaluated 2025-07-28.

Conditions:
Hereditary cancer-predisposing syndrome. Also called: Hereditary Cancer Syndrome; Hereditary neoplastic syndrome; Neoplastic Syndromes, Hereditary; Tumor predisposition. Identifiers: Orphanet 140162, MedGen C0027672, MeSH D009386, MONDO:0015356.
Hereditary breast ovarian cancer syndrome. Also called: Hereditary breast and/or ovarian cancer syndrome; Breast and ovarian cancer; BRCA1- and BRCA2-Associated Hereditary Breast and Ovarian Cancer; Hereditary breast and ovarian cancer syndrome; Hereditary breast and ovarian cancer syndrome (HBOC); Hereditary breast and ovarian cancer. Identifiers: Orphanet 145, MedGen C0677776, MeSH D061325, MONDO:0003582. Disease mechanism: loss of function.

Submissions (4):

Ambry Genetics
Classification: Uncertain significance for Hereditary cancer-predisposing syndrome. Last evaluated: 2025-07-28. Review status: criteria provided, single submitter. Criteria: Ambry Variant Classification Scheme 2023. Collection method: clinical testing. Allele origin: germline.
Comment: The p.S183N variant (also known as c.548G>A), located in coding exon 6 of the BRCA2 gene, results from a G to A substitution at nucleotide position 548. The serine at codon 183 is replaced by asparagine, an amino acid with highly similar properties. This amino acid position is highly conserved in available vertebrate species. In addition, this alteration is predicted to be tolerated by in silico analysis. Since supporting evidence is limited at this time, the clinical significance of this alteration remains unclear.

Labcorp Genetics (formerly Invitae), Labcorp
Classification: Uncertain significance for Hereditary breast ovarian cancer syndrome. Last evaluated: 2024-09-29. Review status: criteria provided, single submitter. Criteria: Invitae Variant Classification Sherloc (09022015). Collection method: clinical testing. Allele origin: germline.
Comment: This sequence change replaces serine, which is neutral and polar, with asparagine, which is neutral and polar, at codon 183 of the BRCA2 protein (p.Ser183Asn). This variant is not present in population databases (gnomAD no frequency). This variant has not been reported in the literature in individuals affected with BRCA2-related conditions. ClinVar contains an entry for this variant (Variation ID: 216250). Invitae Evidence Modeling of protein sequence and biophysical properties (such as structural, functional, and spatial information, amino acid conservation, physicochemical variation, residue mobility, and thermodynamic stability) indicates that this missense variant is not expected to disrupt BRCA2 protein function with a negative predictive value of 95%. In summary, the available evidence is currently insufficient to determine the role of this variant in disease. Therefore, it has been classified as a Variant of Uncertain Significance.

Color Diagnostics, LLC DBA Color Health
Classification: Uncertain significance for Hereditary cancer-predisposing syndrome. Last evaluated: 2023-05-31. Review status: criteria provided, single submitter. Criteria: ACMG Guidelines, 2015. Collection method: clinical testing. Allele origin: germline.
Comment: This missense variant replaces serine with asparagine at codon 183 of the BRCA2 protein. Computational prediction suggests that this variant may not impact protein structure and function (internally defined REVEL score threshold <= 0.5, PMID: 27666373). To our knowledge, functional studies have not been reported for this variant. This variant has not been reported in individuals affected with BRCA2-related disorders in the literature and has been reported in an unaffected individual (PMID: 33471991; Leiden Open Variation Database DB-ID BRCA2_007724). This variant has not been identified in the general population by the Genome Aggregation Database (gnomAD). The available evidence is insufficient to determine the role of this variant in disease conclusively. Therefore, this variant is classified as a Variant of Uncertain Significance.

Women's Health and Genetics/Laboratory Corporation of America, LabCorp
Classification: Uncertain significance. Last evaluated: 2020-10-12. Review status: criteria provided, single submitter. Criteria: LabCorp Variant Classification Summary - May 2015. Collection method: clinical testing. Allele origin: germline.
Comment: Variant summary: BRCA2 c.548G>A (p.Ser183Asn) results in a conservative amino acid change in the encoded protein sequence. Two of four in-silico tools predict a benign effect of the variant on protein function. The variant was absent in 251408 control chromosomes. The available data on variant occurrences in the general population are insufficient to allow any conclusion about variant significance. To our knowledge, no occurrence of c.548G>A in individuals affected with Hereditary Breast And Ovarian Cancer Syndrome and no experimental evidence demonstrating its impact on protein function have been reported. Two clinical diagnostic laboratories have submitted clinical-significance assessments for this variant to ClinVar after 2014 without evidence for independent evaluation. Both laboratories classified the variant as uncertain significance. Based on the evidence outlined above, the variant was classified as uncertain significance.

Literature cited by the submitters: PubMed 33471991 (cited by Color Diagnostics, LLC DBA Color Health).

NM_000059.4(BRCA2):c.548G>A (p.Ser183Asn)

Gene: BRCA2 (BRCA2 DNA repair associated; plus strand). Cytogenetic location: 13q13.1.
Variant type: single nucleotide variant.
Coding change: c.548G>A on transcript NM_000059.4 (MANE Select); coding-DNA position 548, G replaced by A.
Protein change: p.Ser183Asn; replaces serine 183 with asparagine.
Molecular consequence: missense variant.
Genome position (GRCh38, 1-based): chr13:32,326,530, G>A. VCF-style: chr13-32326530-G-A. GRCh37 (hg19) VCF-style: chr13-32900667-G-A.
Other names: short protein forms S183N.
Identifiers: ClinVar variation 216250 (VCV000216250.17), dbSNP rs863224593, ClinGen allele CA336276.
Genomic context (GRCh38, chr13:32,326,530, plus strand): 5'-AAAAAATAAACTATTTTCTTTCCTCCCAGGGTCGTCAGACACCAAAACATATTTCTGAAA[G>A]TCTAGGAGCTGAGGTGGATCCTGATATGTCTTGGTCAAGTTCTTTAGCTACACCACCCAC-3'
Protein context (NP_000050.3, residues 173-193): GRQTPKHISE[Ser183Asn]LGAEVDPDMS